The following is an entry in ClinVar:

ClinVar aggregate classification (germline): Likely benign (1 of 4 stars; one submission).

Submission:

CeGaT Center for Human Genetics Tuebingen
Classification: Likely benign. Last evaluated: 2023-06-01. Review status: criteria provided, single submitter. Criteria: CeGaT Center For Human Genetics Tuebingen Variant Classification Criteria Version 2. Collection method: clinical testing. Allele origin: germline. Affected: yes. Observed: 1 variant allele.
Comment: CCZ1B: BP4, BP7

NM_198097.5(CCZ1B):c.18C>G (p.Ala6=)

Gene: CCZ1B (CCZ1B vacuolar protein trafficking and biogenesis associated; minus strand). Cytogenetic location: 7p22.1.
Variant type: single nucleotide variant.
Coding change: c.18C>G on transcript NM_198097.5 (MANE Select); coding-DNA position 18, C replaced by G.
Protein change: p.Ala6=; no amino-acid change (alanine 6 retained).
Molecular consequence: synonymous variant.
Genome position (GRCh38, 1-based): chr7:6,826,180, G>C on the plus strand (C>G on the coding strand, the complement: CCZ1B is on the minus strand). VCF-style: chr7-6826180-G-C. GRCh37 (hg19) VCF-style: chr7-6865811-G-C.
Identifiers: ClinVar variation 2657314 (VCV002657314.24), dbSNP rs1398479920, ClinGen allele CA453679206.